The following is an entry in ClinVar:

NM_024422.6(DSC2):c.1077+9A>T

Gene: DSC2 (desmocollin 2; minus strand). Cytogenetic location: 18q12.1.
Variant type: single nucleotide variant.
Coding change: c.1077+9A>T on transcript NM_024422.6 (MANE Select); 9 bases into the intron after coding-DNA position 1077, A replaced by T.
Molecular consequence: intron variant.
Genome position (GRCh38, 1-based): chr18:31,082,917, T>A on the plus strand (A>T on the coding strand, the complement: DSC2 is on the minus strand). VCF-style: chr18-31082917-T-A. GRCh37 (hg19) VCF-style: chr18-28662883-T-A.
Other names: c.1077+9A>T (NM_004949.5).
Identifiers: ClinVar variation 514480 (VCV000514480.2), dbSNP rs369381870, ClinGen allele CA029573.

ClinVar aggregate classification (germline): Likely benign. Review status: criteria provided, multiple submitters, no conflicts (2 of 4 stars). 2 submissions from 2 submitters: Likely benign (2). Last evaluated 2025-02-06.

Conditions:
Arrhythmogenic right ventricular dysplasia 11. Also called: Arrhythmogenic Right Ventricular Dysplasia/Cardiomyopathy11; ARRHYTHMOGENIC RIGHT VENTRICULAR DYSPLASIA, FAMILIAL, 11; Arrhythmogenic right ventricular dysplasia 11 with mild palmoplantar keratoderma and woolly hair. Identifiers: MedGen C1864850, MONDO:0012506, OMIM 610476.

Allele frequency attached by ClinVar (database versions not stated): ExAC 0.00001; TOPMed 0.00001; ESP Exome Variant Server 0.00008.
gnomAD v4.1: 1 of 1,612,670 alleles (0.000062%); highest among the groups gnomAD compares: African/African-American, 0.0013%; no homozygotes.

Submissions (2):

Labcorp Genetics (formerly Invitae), Labcorp
Classification: Likely benign for Arrhythmogenic right ventricular dysplasia 11. Last evaluated: 2025-02-06. Review status: criteria provided, single submitter. Criteria: Invitae Variant Classification Sherloc (09022015). Collection method: clinical testing. Allele origin: germline.

GeneDx
Classification: Likely benign. Last evaluated: 2018-01-03. Review status: criteria provided, single submitter. Criteria: GeneDx Variant Classification (06012015). Collection method: clinical testing. Allele origin: germline. Affected: yes.
Comment: This variant is considered likely benign or benign based on one or more of the following criteria: it is a conservative change, it occurs at a poorly conserved position in the protein, it is predicted to be benign by multiple in silico algorithms, and/or has population frequency not consistent with disease.